The following is an entry in ClinVar:

NM_016151.4(TAOK2):c.1322C>T (p.Pro441Leu)

Gene: TAOK2 (TAO kinase 2; plus strand). Cytogenetic location: 16p11.2.
Variant type: single nucleotide variant.
Coding change: c.1322C>T on transcript NM_016151.4 (MANE Select); coding-DNA position 1322, C replaced by T.
Protein change: p.Pro441Leu; replaces proline 441 with leucine.
Molecular consequence: missense variant.
Genome position (GRCh38, 1-based): chr16:29,983,564, C>T. VCF-style: chr16-29983564-C-T. GRCh37 (hg19) VCF-style: chr16-29994885-C-T.
Other names: c.1322C>T (NM_016151.3); c.1322C>T, p.Pro441Leu (NM_001252043.2, NM_004783.4); short protein forms P441L.
Identifiers: ClinVar variation 1424257 (VCV001424257.10), dbSNP rs371609102, ClinGen allele CA7998110.

ClinVar aggregate classification (germline): Likely benign. Review status: criteria provided, single submitter (1 of 4 stars). 2 submissions from 2 submitters: Likely benign (1). 1 of the submissions does not count toward it. Last evaluated 2026-01-19.

Conditions:
TAOK2-related disorder. Also called: TAOK2-related condition.

Allele frequency attached by ClinVar (database versions not stated): gnomAD exomes 0.00007 and 0.00035; gnomAD 0.00008 and 0.00009; TOPMed 0.00013; ExAC 0.00027.
gnomAD v4.1: 115 of 1,614,030 alleles (0.0071%); highest among the groups gnomAD compares: Admixed American, 0.13%; no homozygotes.

Submissions (2):

Labcorp Genetics (formerly Invitae), Labcorp
Classification: Likely benign. Last evaluated: 2026-01-19. Review status: criteria provided, single submitter. Criteria: Invitae Variant Classification Sherloc (09022015). Collection method: clinical testing. Allele origin: germline.

PreventionGenetics, part of Exact Sciences
Classification: Likely benign for TAOK2-related condition. Last evaluated: 2022-02-17. Review status: no assertion criteria provided. Collection method: clinical testing. Allele origin: germline. Not counted in ClinVar's aggregate classification.
Comment: This variant is classified as likely benign based on ACMG/AMP sequence variant interpretation guidelines (Richards et al. 2015 PMID: 25741868, with internal and published modifications).